The following is an entry in ClinVar:

NM_130839.5(UBE3A):c.2322C>T (p.Asp774=)

Genes: SNHG14 (small nucleolar RNA host gene 14; plus strand), UBE3A (ubiquitin protein ligase E3A; minus strand). Cytogenetic location: 15q11.2.
Variant type: single nucleotide variant.
Coding change: c.2322C>T on transcript NM_130839.5 (MANE Select); coding-DNA position 2322, C replaced by T.
Protein change: p.Asp774=; no amino-acid change (aspartic acid 774 retained).
Molecular consequence: synonymous variant. On other transcripts: non-coding transcript variant (1).
Genome position (GRCh38, 1-based): chr15:25,354,385, G>A on the plus strand (C>T on the coding strand, the complement: UBE3A is on the minus strand). VCF-style: chr15-25354385-G-A. GRCh37 (hg19) VCF-style: chr15-25599532-G-A.
Other names: c.2331C>T, p.Asp777= (NM_000462.5); c.2322C>T, p.Asp774= (NM_001354505.1, NM_001354538.2); c.2262C>T, p.Asp754= (NM_001354506.2, NM_001354507.2, NM_001354508.2 and 14 more transcripts); c.2166C>T, p.Asp722= (NM_001354545.2); c.2145C>T, p.Asp715= (NM_001354546.2); c.2106C>T, p.Asp702= (NM_001354547.2, NM_001354548.2); c.2097C>T, p.Asp699= (NM_001354549.2); c.1071C>T, p.Asp357= (NM_001354550.2); and 1 more.
Identifiers: ClinVar variation 588417 (VCV000588417.21), dbSNP rs759095902, ClinGen allele CA7435388.

ClinVar aggregate classification (germline): Likely benign. Review status: criteria provided, multiple submitters, no conflicts (2 of 4 stars). 4 submissions from 4 submitters: Likely benign (3). 1 of the submissions does not count toward it. Last evaluated 2025-07-28.

Conditions:
UBE3A-related disorder. Also called: UBE3A-related condition.
Inborn genetic diseases. Identifiers: MedGen C0950123, MeSH D030342.
Angelman syndrome (AS). Also called: HAPPY PUPPET SYNDROME. Identifiers: Orphanet 72, MedGen C0162635, MONDO:0007113, OMIM 105830. Disease mechanism: loss of function. Inheritance: AS is caused by disruption of maternally imprinted UBE3A located within the 15q11.2-q13 Angelman syndrome/Prader-Willi syndrome (AS/PWS) region., imprinting disorder.

Allele frequency attached by ClinVar (database versions not stated): gnomAD exomes 0.00001 and 0.00003; ExAC 0.00003; gnomAD 0.00005 and 0.00006; TOPMed 0.00008.
gnomAD v4.1: 23 of 1,613,638 alleles (0.0014%); highest among the groups gnomAD compares: Admixed American, 0.01%; no homozygotes.

Submissions (4):

Labcorp Genetics (formerly Invitae), Labcorp
Classification: Likely benign for Angelman syndrome. Last evaluated: 2025-07-28. Review status: criteria provided, single submitter. Criteria: Invitae Variant Classification Sherloc (09022015). Collection method: clinical testing. Allele origin: germline.

GeneDx
Classification: Likely benign. Last evaluated: 2020-09-04. Review status: criteria provided, single submitter. Criteria: GeneDx Variant Classification Process June 2021. Collection method: clinical testing. Allele origin: germline. Affected: yes.

Ambry Genetics
Classification: Likely benign for Inborn genetic diseases. Last evaluated: 2016-11-04. Review status: criteria provided, single submitter. Criteria: Ambry Variant Classification Scheme 2023. Collection method: clinical testing. Allele origin: germline.

PreventionGenetics, part of Exact Sciences
Classification: Likely benign for UBE3A-related condition. Last evaluated: 2021-08-24. Review status: no assertion criteria provided. Collection method: clinical testing. Allele origin: germline. Not counted in ClinVar's aggregate classification.
Comment: This variant is classified as likely benign based on ACMG/AMP sequence variant interpretation guidelines (Richards et al. 2015 PMID: 25741868, with internal and published modifications).